The following is an entry in ClinVar:

NM_002226.5(JAG2):c.390C>T (p.Val130=)

Gene: JAG2 (jagged canonical Notch ligand 2; minus strand). Cytogenetic location: 14q32.33.
Variant type: single nucleotide variant.
Coding change: c.390C>T on transcript NM_002226.5 (MANE Select); coding-DNA position 390, C replaced by T.
Protein change: p.Val130=; no amino-acid change (valine 130 retained).
Molecular consequence: synonymous variant.
Genome position (GRCh38, 1-based): chr14:105,167,784, G>A on the plus strand (C>T on the coding strand, the complement: JAG2 is on the minus strand). VCF-style: chr14-105167784-G-A. GRCh37 (hg19) VCF-style: chr14-105634121-G-A.
Other names: p.Val130=; c.390C>T, p.Val130= (NM_145159.3).
Identifiers: ClinVar variation 3037608 (VCV003037608.17), dbSNP rs113186535, ClinGen allele CA7386476.

ClinVar aggregate classification (germline): Benign/Likely benign. Review status: criteria provided, multiple submitters, no conflicts (2 of 4 stars). 4 submissions from 4 submitters: Benign (1); Likely benign (2). 1 of the submissions does not count toward it. Last evaluated 2026-09-01.

Conditions:
JAG2-related disorder. Also called: JAG2-related condition.

Allele frequency attached by ClinVar (database versions not stated): 1000 Genomes Project 0.00060; 1000 Genomes Project 30x 0.00203; gnomAD exomes 0.00582; ExAC 0.00729; gnomAD 0.00382; TOPMed 0.00385.
gnomAD v4.1: 8,210 of 1,463,276 alleles (0.56%); highest among the groups gnomAD compares: Non-Finnish European, 0.64%; 32 homozygotes.

Submissions (4):

CeGaT Center for Human Genetics Tuebingen
Classification: Likely benign. Last evaluated: 2026-09-01. Review status: criteria provided, single submitter. Criteria: CeGaT Center For Human Genetics Tuebingen Variant Classification Criteria Version 2. Collection method: clinical testing. Allele origin: germline. Affected: yes. Observed: 3 variant alleles.
Comment: JAG2: BP4, BP7, BS2

Blueprint Genetics
Classification: Likely benign. Last evaluated: 2024-11-24. Review status: criteria provided, single submitter. Criteria: ACMG Guidelines, 2015. Collection method: clinical testing. Allele origin: germline.

Mayo Clinic Laboratories, Mayo Clinic
Classification: Benign. Last evaluated: 2024-11-14. Review status: criteria provided, single submitter. Criteria: ACMG Guidelines, 2015. Collection method: clinical testing. Allele origin: germline. Observed: 10 variant alleles.
Comment: BA1, BP4, BP7

PreventionGenetics, part of Exact Sciences
Classification: Likely benign for JAG2-related condition. Last evaluated: 2019-03-05. Review status: no assertion criteria provided. Collection method: clinical testing. Allele origin: germline. Not counted in ClinVar's aggregate classification.
Comment: This variant is classified as likely benign based on ACMG/AMP sequence variant interpretation guidelines (Richards et al. 2015 PMID: 25741868, with internal and published modifications).